The following is an entry in ClinVar:

NM_000203.5(IDUA):c.316G>A (p.Gly106Ser)

Gene: IDUA (alpha-L-iduronidase; plus strand). Cytogenetic location: 4p16.3.
Variant type: single nucleotide variant.
Coding change: c.316G>A on transcript NM_000203.5 (MANE Select); coding-DNA position 316, G replaced by A.
Protein change: p.Gly106Ser; replaces glycine 106 with serine.
Molecular consequence: missense variant. On other transcripts: 5 prime UTR variant (1), non-coding transcript variant (1).
Genome position (GRCh38, 1-based): chr4:1,000,628, G>A. VCF-style: chr4-1000628-G-A. GRCh37 (hg19) VCF-style: chr4-994416-G-A.
Other names: c.-81G>A (NM_001363576.1); short protein forms G106S.
Identifiers: ClinVar variation 1728417 (VCV001728417.2), dbSNP rs574025652, ClinGen allele CA2801873.
Genomic context (GRCh38, chr4:1,000,628, plus strand): 5'-CTGTGTGGGCACCCTGCTTCCTGACGCTGACCGTCCTTCTGCAGGGGGTCCACTGGACGG[G>A]GCCTGAGCTACAACTTCACCCACCTGGACGGGTACCTGGACCTTCTCAGGGAGAACCAGC-3'
Protein context (NP_000194.2, residues 96-116): LVTTRGSTGR[Gly106Ser]LSYNFTHLDG

ClinVar aggregate classification (germline): Uncertain significance (1 of 4 stars; one submission).

Conditions:
Inborn genetic diseases. Identifiers: MedGen C0950123, MeSH D030342.

Allele frequency attached by ClinVar (database versions not stated): 1000 Genomes Project 30x 0.00016; 1000 Genomes Project 0.00020.
gnomAD v4.1: 10 of 1,612,640 alleles (0.00062%); highest among the groups gnomAD compares: South Asian, 0.011%; no homozygotes.

Submission:

Ambry Genetics
Classification: Uncertain significance for Inborn genetic diseases. Last evaluated: 2022-08-30. Review status: criteria provided, single submitter. Criteria: Ambry Variant Classification Scheme 2023. Collection method: clinical testing. Allele origin: germline.
Comment: The p.G106S variant (also known as c.316G>A), located in coding exon 3 of the IDUA gene, results from a G to A substitution at nucleotide position 316. The glycine at codon 106 is replaced by serine, an amino acid with similar properties. This amino acid position is conserved. In addition, the in silico prediction for this alteration is inconclusive. Since supporting evidence is limited at this time, the clinical significance of this alteration remains unclear.